The following is an entry in ClinVar:

NM_024675.4(PALB2):c.2149G>A (p.Asp717Asn)

Gene: PALB2 (partner and localizer of BRCA2; minus strand). Cytogenetic location: 16p12.2.
Variant type: single nucleotide variant.
Coding change: c.2149G>A on transcript NM_024675.4 (MANE Select); coding-DNA position 2149, G replaced by A.
Protein change: p.Asp717Asn; replaces aspartic acid 717 with asparagine.
Molecular consequence: missense variant.
Genome position (GRCh38, 1-based): chr16:23,630,005, C>T on the plus strand (G>A on the coding strand, the complement: PALB2 is on the minus strand). VCF-style: chr16-23630005-C-T. GRCh37 (hg19) VCF-style: chr16-23641326-C-T.
Other names: short protein forms D717N.
Identifiers: ClinVar variation 482030 (VCV000482030.11), dbSNP rs748692809, ClinGen allele CA7963616.

ClinVar aggregate classification (germline): Conflicting classifications of pathogenicity. Review status: criteria provided, conflicting classifications (1 of 4 stars). 2 submissions from 2 submitters: Uncertain significance (1); Likely benign (1). Last evaluated 2025-09-06.

Conditions:
Familial cancer of breast. Also called: BREAST CANCER, FAMILIAL; Hereditary breast cancer; hereditary breast carcinoma. Identifiers: Orphanet 227535, MedGen C0346153, MONDO:0016419, OMIM 114480. Disease mechanism: loss of function.
Hereditary cancer-predisposing syndrome. Also called: Neoplastic Syndromes, Hereditary; Tumor predisposition; Hereditary Cancer Syndrome; Hereditary neoplastic syndrome. Identifiers: Orphanet 140162, MedGen C0027672, MeSH D009386, MONDO:0015356.

Allele frequency attached by ClinVar (database versions not stated): gnomAD exomes below 0.00001; ExAC 0.00001.
gnomAD v4.1: 2 of 1,614,074 alleles (0.00012%); highest among the groups gnomAD compares: Non-Finnish European, 0.00017%; no homozygotes.

Submissions (2):

Ambry Genetics
Classification: Likely benign for Hereditary cancer-predisposing syndrome. Last evaluated: 2025-09-06. Review status: criteria provided, single submitter. Criteria: Ambry Variant Classification Scheme 2023. Collection method: clinical testing. Allele origin: germline.

Labcorp Genetics (formerly Invitae), Labcorp
Classification: Uncertain significance for Familial cancer of breast. Last evaluated: 2022-02-23. Review status: criteria provided, single submitter. Criteria: Invitae Variant Classification Sherloc (09022015). Collection method: clinical testing. Allele origin: germline.
Comment: This sequence change replaces aspartic acid, which is acidic and polar, with asparagine, which is neutral and polar, at codon 717 of the PALB2 protein (p.Asp717Asn). This variant is present in population databases (rs748692809, gnomAD 0.0009%). This variant has not been reported in the literature in individuals affected with PALB2-related conditions. ClinVar contains an entry for this variant (Variation ID: 482030). Algorithms developed to predict the effect of missense changes on protein structure and function output the following: SIFT: "Tolerated"; PolyPhen-2: "Benign"; Align-GVGD: "Class C0". The asparagine amino acid residue is found in multiple mammalian species, which suggests that this missense change does not adversely affect protein function. In summary, the available evidence is currently insufficient to determine the role of this variant in disease. Therefore, it has been classified as a Variant of Uncertain Significance.